The following is an entry in ClinVar:

NM_001851.6(COL9A1):c.1622G>A (p.Gly541Asp)

Gene: COL9A1 (collagen type IX alpha 1 chain; minus strand). Cytogenetic location: 6q13.
Variant type: single nucleotide variant.
Coding change: c.1622G>A on transcript NM_001851.6 (MANE Select); coding-DNA position 1622, G replaced by A.
Protein change: p.Gly541Asp; replaces glycine 541 with aspartic acid.
Molecular consequence: missense variant. On other transcripts: non-coding transcript variant (1).
Genome position (GRCh38, 1-based): chr6:70,255,006, C>T on the plus strand (G>A on the coding strand, the complement: COL9A1 is on the minus strand). VCF-style: chr6-70255006-C-T. GRCh37 (hg19) VCF-style: chr6-70964709-C-T.
Other names: c.893G>A, p.Gly298Asp (NM_001377289.1, NM_001377290.1, NM_078485.4); short protein forms G541D, G298D.
Identifiers: ClinVar variation 1405194 (VCV001405194.6), dbSNP rs755767798, ClinGen allele CA3882102.
Genomic context (GRCh38, chr6:70,255,006, plus strand): 5'-TAAATTACACAGCCTACCTTTGTTCCAGGCATTCCAGGGATCCCATCACGGCCATCCACA[C>T]CTGGCAAACCCTAAACACACACAAAGAAACATACTGTCTCTTACACACAGTCACATTCTT-3'
Protein context (NP_001842.3, residues 531-551): PGPKGDTGLP[Gly541Asp]VDGRDGIPGM

ClinVar aggregate classification (germline): Uncertain significance (1 of 4 stars; one submission).

Allele frequency attached by ClinVar (database versions not stated): gnomAD 0.00001; TOPMed 0.00001.

Submission:

Labcorp Genetics (formerly Invitae), Labcorp
Classification: Uncertain significance. Last evaluated: 2021-09-16. Review status: criteria provided, single submitter. Criteria: Invitae Variant Classification Sherloc (09022015). Collection method: clinical testing. Allele origin: germline.
Comment: In summary, the available evidence is currently insufficient to determine the role of this variant in disease. Therefore, it has been classified as a Variant of Uncertain Significance. Advanced modeling of protein sequence and biophysical properties (such as structural, functional, and spatial information, amino acid conservation, physicochemical variation, residue mobility, and thermodynamic stability) performed at Invitae indicates that this missense variant is expected to disrupt COL9A1 protein function. This variant has not been reported in the literature in individuals affected with COL9A1-related conditions. This variant is present in population databases (rs755767798, ExAC 0.001%). This sequence change replaces glycine with aspartic acid at codon 541 of the COL9A1 protein (p.Gly541Asp). The glycine residue is highly conserved and there is a moderate physicochemical difference between glycine and aspartic acid.